The following is an entry in ClinVar:

NM_007327.4(GRIN1):c.1513C>T (p.Leu505=)

Gene: GRIN1 (glutamate ionotropic receptor NMDA type subunit 1; plus strand). Cytogenetic location: 9q34.3.
Variant type: single nucleotide variant.
Coding change: c.1513C>T on transcript NM_007327.4 (MANE Select); coding-DNA position 1513, C replaced by T.
Protein change: p.Leu505=; no amino-acid change (leucine 505 retained).
Molecular consequence: synonymous variant.
Genome position (GRCh38, 1-based): chr9:137,161,969, C>T. VCF-style: chr9-137161969-C-T. GRCh37 (hg19) VCF-style: chr9-140056421-C-T.
Other names: c.1513C>T, p.Leu505= (NM_000832.7, NM_021569.4); c.1576C>T, p.Leu526= (NM_001185090.2, NM_001185091.2).
Identifiers: ClinVar variation 382146 (VCV000382146.58), dbSNP rs139637382, ClinGen allele CA5360959.

ClinVar aggregate classification (germline): Benign/Likely benign. Review status: criteria provided, multiple submitters, no conflicts (2 of 4 stars). 7 submissions from 7 submitters: Benign (3); Likely benign (4). Last evaluated 2026-07-01.

Conditions:
Inborn genetic diseases. Identifiers: MedGen C0950123, MeSH D030342.
Neurodevelopmental disorder with or without hyperkinetic movements and seizures, autosomal dominant. Also called: Intellectual disability, autosomal dominant 8. Identifiers: MedGen C3280282, MONDO:0013655, OMIM 614254.

Allele frequency attached by ClinVar (database versions not stated): gnomAD exomes 0.00047 and 0.00082; gnomAD 0.00051 and 0.00053; 1000 Genomes Project 30x 0.00062; ESP Exome Variant Server 0.00062; TOPMed 0.00071; 1000 Genomes Project 0.00080; ExAC 0.00108.
gnomAD v4.1: 785 of 1,565,884 alleles (0.05%); highest among the groups gnomAD compares: Middle Eastern, 0.97%; 3 homozygotes.

Submissions (7):

CeGaT Center for Human Genetics Tuebingen
Classification: Likely benign. Last evaluated: 2026-07-01. Review status: criteria provided, single submitter. Criteria: CeGaT Center For Human Genetics Tuebingen Variant Classification Criteria Version 2. Collection method: clinical testing. Allele origin: germline. Affected: yes. Observed: 19 variant alleles.
Comment: GRIN1: BP4, BP7

Labcorp Genetics (formerly Invitae), Labcorp
Classification: Benign for Neurodevelopmental disorder with or without hyperkinetic movements and seizures, autosomal dominant. Last evaluated: 2026-01-12. Review status: criteria provided, single submitter. Criteria: Invitae Variant Classification Sherloc (09022015). Collection method: clinical testing. Allele origin: germline.

Blueprint Genetics
Classification: Likely benign. Last evaluated: 2024-11-21. Review status: criteria provided, single submitter. Criteria: ACMG Guidelines, 2015. Collection method: clinical testing. Allele origin: germline.

GeneDx
Classification: Benign. Last evaluated: 2021-10-29. Review status: criteria provided, single submitter. Criteria: GeneDx Variant Classification Process June 2021. Collection method: clinical testing. Allele origin: germline. Affected: yes.

Genetic Services Laboratory, University of Chicago
Classification: Benign. Last evaluated: 2017-11-07. Review status: criteria provided, single submitter. Criteria: ACMG Guidelines, 2015. Collection method: clinical testing. Allele origin: germline. Affected: no.

Ambry Genetics
Classification: Likely benign for Inborn genetic diseases. Last evaluated: 2015-12-31. Review status: criteria provided, single submitter. Criteria: Ambry Variant Classification Scheme 2023. Collection method: clinical testing. Allele origin: germline.

Breakthrough Genomics
Classification: Likely benign. Review status: criteria provided, single submitter. Criteria: ACMG Guidelines, 2015. Collection method: not provided. Allele origin: germline. Inheritance: Autosomal recessive inheritance. Affected: yes.